The following is an entry in ClinVar:

ClinVar aggregate classification (germline): Uncertain significance (1 of 4 stars; one submission).

Allele frequency attached by ClinVar (database versions not stated): gnomAD exomes below 0.00001 and 0.00004; gnomAD 0.00001 and 0.00002; TOPMed 0.00002.
gnomAD v4.1: 66 of 1,607,168 alleles (0.0041%); highest among the groups gnomAD compares: Non-Finnish European, 0.0054%; no homozygotes.

Submission:

Labcorp Genetics (formerly Invitae), Labcorp
Classification: Uncertain significance. Last evaluated: 2022-03-02. Review status: criteria provided, single submitter. Criteria: Invitae Variant Classification Sherloc (09022015). Collection method: clinical testing. Allele origin: germline.
Comment: This sequence change replaces aspartic acid, which is acidic and polar, with alanine, which is neutral and non-polar, at codon 435 of the PLOD3 protein (p.Asp435Ala). This variant is present in population databases (no rsID available, gnomAD 0.001%). This variant has not been reported in the literature in individuals affected with PLOD3-related conditions. Algorithms developed to predict the effect of missense changes on protein structure and function (SIFT, PolyPhen-2, Align-GVGD) all suggest that this variant is likely to be tolerated. In summary, the available evidence is currently insufficient to determine the role of this variant in disease. Therefore, it has been classified as a Variant of Uncertain Significance.

NM_001084.5(PLOD3):c.1304A>C (p.Asp435Ala)

Gene: PLOD3 (procollagen-lysine,2-oxoglutarate 5-dioxygenase 3; minus strand). Cytogenetic location: 7q22.1.
Variant type: single nucleotide variant.
Coding change: c.1304A>C on transcript NM_001084.5 (MANE Select); coding-DNA position 1304, A replaced by C.
Protein change: p.Asp435Ala; replaces aspartic acid 435 with alanine.
Molecular consequence: missense variant.
Genome position (GRCh38, 1-based): chr7:101,211,645, T>G on the plus strand (A>C on the coding strand, the complement: PLOD3 is on the minus strand). VCF-style: chr7-101211645-T-G. GRCh37 (hg19) VCF-style: chr7-100854926-T-G.
Other names: short protein forms D435A.
Identifiers: ClinVar variation 1515628 (VCV001515628.3), dbSNP rs1044539662, ClinGen allele CA163350490.